The following is an entry in ClinVar:

ClinVar aggregate classification (germline): Uncertain significance. Review status: criteria provided, multiple submitters, no conflicts (2 of 4 stars). 8 submissions from 8 submitters: Uncertain significance (6). 2 of the submissions do not count toward it. Last evaluated 2023-12-23.

Conditions:
Spastic paraplegia. Identifiers: MedGen C0037772, HP:0001258.
Hereditary spastic paraplegia. Also called: Familial spastic paraparesis. Identifiers: Orphanet 685, MedGen C0037773, MONDO:0019064. Disease mechanism: loss of function.
Tip-toe gait. Also called: Toe walking. Identifiers: MedGen C0427144, HP:0030051.
ZFYVE26-related disorder. Also called: ZFYVE26-related condition.
Inborn genetic diseases. Identifiers: MedGen C0950123, MeSH D030342.

Allele frequency attached by ClinVar (database versions not stated): gnomAD 0.00018 and 0.00019; ExAC 0.00020; TOPMed 0.00021; gnomAD exomes 0.00019 and 0.00030; ESP Exome Variant Server 0.00023; 1000 Genomes Project 30x 0.00031; 1000 Genomes Project 0.00040.
gnomAD v4.1: 466 of 1,613,658 alleles (0.029%); highest among the groups gnomAD compares: Non-Finnish European, 0.037%; no homozygotes.

Submissions (8):

Ambry Genetics
Classification: Uncertain significance for Inborn genetic diseases. Last evaluated: 2023-12-23. Review status: criteria provided, single submitter. Criteria: Ambry Variant Classification Scheme 2023. Collection method: clinical testing. Allele origin: germline.

Athena Diagnostics
Classification: Uncertain significance. Last evaluated: 2022-12-21. Review status: criteria provided, single submitter. Criteria: Athena Diagnostics Criteria. Collection method: clinical testing. Allele origin: unknown.
Comment: Available data are insufficient to determine the clinical significance of the variant at this time. The frequency of this variant in the general population is uninformative in assessment of its pathogenicity. Computational tools predict that this variant is not damaging.

Labcorp Genetics (formerly Invitae), Labcorp
Classification: Uncertain significance for Spastic paraplegia. Last evaluated: 2022-08-31. Review status: criteria provided, single submitter. Criteria: Invitae Variant Classification Sherloc (09022015). Collection method: clinical testing. Allele origin: germline.
Comment: This sequence change replaces valine, which is neutral and non-polar, with isoleucine, which is neutral and non-polar, at codon 2052 of the ZFYVE26 protein (p.Val2052Ile). This variant is present in population databases (rs201273304, gnomAD 0.04%). This variant has not been reported in the literature in individuals affected with ZFYVE26-related conditions. ClinVar contains an entry for this variant (Variation ID: 1303993). Algorithms developed to predict the effect of missense changes on protein structure and function (SIFT, PolyPhen-2, Align-GVGD) all suggest that this variant is likely to be tolerated. In summary, the available evidence is currently insufficient to determine the role of this variant in disease. Therefore, it has been classified as a Variant of Uncertain Significance.

Mayo Clinic Laboratories, Mayo Clinic
Classification: Uncertain significance. Last evaluated: 2022-07-21. Review status: criteria provided, single submitter. Criteria: ACMG Guidelines, 2015. Collection method: clinical testing. Allele origin: germline. Observed: 3 variant alleles.
Comment: BP4_moderate

GeneDx
Classification: Uncertain significance. Last evaluated: 2022-01-18. Review status: criteria provided, single submitter. Criteria: GeneDx Variant Classification Process June 2021. Collection method: clinical testing. Allele origin: germline. Affected: yes.
Comment: In silico analysis supports that this missense variant does not alter protein structure/function; Has not been previously published as pathogenic or benign to our knowledge

Genome Diagnostics Laboratory, The Hospital for Sick Children
Classification: Uncertain significance for Hereditary spastic paraplegia. Last evaluated: 2017-06-27. Review status: criteria provided, single submitter. Criteria: ACMG Guidelines, 2015. Collection method: clinical testing. Allele origin: germline. Affected: yes.

PreventionGenetics, part of Exact Sciences
Classification: Uncertain significance for ZFYVE26-related condition. Last evaluated: 2024-05-20. Review status: no assertion criteria provided. Collection method: clinical testing. Allele origin: germline. Not counted in ClinVar's aggregate classification.
Comment: The ZFYVE26 c.6154G>A variant is predicted to result in the amino acid substitution p.Val2052Ile. To our knowledge, this variant has not been reported in the literature. This variant is reported in 0.037% of alleles in individuals of European (Non-Finnish) descent in gnomAD. At this time, the clinical significance of this variant is uncertain due to the absence of conclusive functional and genetic evidence.

Practice for Gait Abnormalities, David Pomarino, Competency Network Toe Walking C/o Practice Pomarino
Classification: Likely pathogenic for Tip-toe gait. Last evaluated: 2021-05-10. Review status: no assertion criteria provided. Collection method: clinical testing. Allele origin: germline. Affected: yes. Not counted in ClinVar's aggregate classification.
Comment: Hereditary motor sensory neuropathy (HMSN), also known as Charcot-Marie-Tooth Disease (CMT), is the most commonly inherited peripheral polyneuropathy. It constitutes a group of inherited, progressive, motor and sensory peripheral nerve disorders with properties of demyelination, axonal degeneration, or both. It is classified by clinical characteristics, modes of inheritance, electrophysiologic features, metabolic defects, and specific gene markers. Our patients all walk on tiptoe, so they show similar symptoms. When we genetically test them with our toe walking panel, we find that around 90 per cent of them have a genetic variant that explains their toe walking. These can be assigned, for example, to the area of myopathies (such as variants of the COL6A3 gene), the area of hereditary neuropathies (such as variants of the KMT2C gene) or the area of metabolic diseases (such as variants of the PYGM gene). In a smaller group of patients with almost identical symptoms, no abnormality is found in the genes of our panel, but spastic paraplegia can be detected. In another small group of our toe walkers, no abnormalities can be detected in the genes analysed in our toe walking panel, nor do they suffer from spastic paraplegia, as is also the case with healthy children. In contrast to these, however, they show a tiptoe gait. These patients suffer from infantile cerebral palsy, in which toe walking can also be observed.

Literature cited by the submitters: PubMed 29590070 (cited by Athena Diagnostics); PubMed 37091313 (cited by Practice for Gait Abnormalities, David Pomarino, Competency Network Toe Walking C/o Practice Pomarino).

NM_015346.4(ZFYVE26):c.6154G>A (p.Val2052Ile)

Gene: ZFYVE26 (zinc finger FYVE-type containing 26; minus strand). Cytogenetic location: 14q24.1.
Variant type: single nucleotide variant.
Coding change: c.6154G>A on transcript NM_015346.4 (MANE Select); coding-DNA position 6154, G replaced by A.
Protein change: p.Val2052Ile; replaces valine 2052 with isoleucine.
Molecular consequence: missense variant.
Genome position (GRCh38, 1-based): chr14:67,762,677, C>T on the plus strand (G>A on the coding strand, the complement: ZFYVE26 is on the minus strand). VCF-style: chr14-67762677-C-T. GRCh37 (hg19) VCF-style: chr14-68229394-C-T.
Other names: p.Val2052Ile; short protein forms V2052I.
Identifiers: ClinVar variation 1303993 (VCV001303993.15), dbSNP rs201273304, ClinGen allele CA7239305.
Genomic context (GRCh38, chr14:67,762,677, plus strand): 5'-AAAGCAACTTGCTACAGTGGGGTGGAAGTAAGCTTTGTCTTTGTCTTTGTCTCACCTCAA[C>T]GCCCAGTTGGTAGTACTCGGCTTCCAAAAGCTGGTTCCTTAGCCTGGTTACTGCAGCTGG-3'
Protein context (NP_056161.2, residues 2042-2062): LLEAEYYQLG[Val2052Ile]EVSTKTGLDT